The following is an entry in ClinVar:

NM_014476.6(PDLIM3):c.683C>T (p.Pro228Leu)

Gene: PDLIM3 (PDZ and LIM domain 3; minus strand). Cytogenetic location: 4q35.1.
Variant type: single nucleotide variant.
Coding change: c.683C>T on transcript NM_014476.6 (MANE Select); coding-DNA position 683, C replaced by T.
Protein change: p.Pro228Leu; replaces proline 228 with leucine.
Molecular consequence: missense variant. On other transcripts: non-coding transcript variant (1).
Genome position (GRCh38, 1-based): chr4:185,506,632, G>A on the plus strand (C>T on the coding strand, the complement: PDLIM3 is on the minus strand). VCF-style: chr4-185506632-G-A. GRCh37 (hg19) VCF-style: chr4-186427786-G-A.
Other names: c.539C>T, p.Pro180Leu (NM_001114107.5); c.419C>T, p.Pro140Leu (NM_001257962.2); c.182C>T, p.Pro61Leu (NM_001257963.2); short protein forms P228L, P180L, P140L, P61L.
Identifiers: ClinVar variation 520259 (VCV000520259.17), dbSNP rs201185673, ClinGen allele CA3159726.

ClinVar aggregate classification (germline): Conflicting classifications of pathogenicity. Review status: criteria provided, conflicting classifications (1 of 4 stars). 4 submissions from 4 submitters: Uncertain significance (1); Benign (1); Likely benign (2). Last evaluated 2026-01-13.

Conditions:
Cardiovascular phenotype. Identifiers: MedGen CN230736.
Hypertrophic cardiomyopathy. Also called: HYPERTROPHIC MYOCARDIOPATHY. Identifiers: Orphanet 217569, MedGen C0007194, MeSH D002312, MONDO:0005045, HP:0001639.
Primary dilated cardiomyopathy (DCM). Also called: Dilated Cardiomyopathy. Identifiers: Orphanet 217604, MedGen C0007193, MeSH D002311, MONDO:0005021, HP:0001644. Inheritance: Various modes of inheritance.

Allele frequency attached by ClinVar (database versions not stated): ESP Exome Variant Server 0.00008; ExAC 0.00017; gnomAD 0.00013 and 0.00014; gnomAD exomes 0.00030 and 0.00014; TOPMed 0.00014.
gnomAD v4.1: 235 of 1,606,584 alleles (0.015%); highest among the groups gnomAD compares: Admixed American, 0.023%; no homozygotes.

Submissions (4):

Labcorp Genetics (formerly Invitae), Labcorp
Classification: Benign for Hypertrophic cardiomyopathy; Primary dilated cardiomyopathy. Last evaluated: 2026-01-13. Review status: criteria provided, single submitter. Criteria: Invitae Variant Classification Sherloc (09022015). Collection method: clinical testing. Allele origin: germline.

Women's Health and Genetics/Laboratory Corporation of America, LabCorp
Classification: Likely benign. Last evaluated: 2025-03-31. Review status: criteria provided, single submitter. Criteria: LabCorp Variant Classification Summary - May 2015. Collection method: clinical testing. Allele origin: germline.

GeneDx
Classification: Likely benign. Last evaluated: 2020-03-10. Review status: criteria provided, single submitter. Criteria: GeneDx Variant Classification Process June 2021. Collection method: clinical testing. Allele origin: germline. Affected: yes.
Comment: In silico analysis supports that this missense variant does not alter protein structure/function; This variant is associated with the following publications: (PMID: 25351510)

Ambry Genetics
Classification: Uncertain significance for Cardiovascular phenotype. Last evaluated: 2013-10-29. Review status: criteria provided, single submitter. Criteria: Ambry Autosomal Dominant and X-Linked criteria (10/2015). Collection method: clinical testing. Allele origin: germline. Observed: 1 variant allele.
Comment: The p.P228L variant (also known as c.683C>T) is located in coding exon 6 of the PDLIM3 gene. This alteration results from a C to T substitution at nucleotide position 683. The proline at codon 228 is replaced by leucine, an amino acid with similar properties.This variant was previously reported in the SNPDatabase as rs201185673. Based on data from the NHLBI Exome Sequencing Project (ESP), the T-allele has an overall frequency of approximately 0.01% (1/13,006), having not been observed in 4406 of African American alleles, and observed in 0.01% (1/8600) of European American alleles studied. This variant was not observed in the 1000 Genomes Project.This amino acid position is not conserved on sequence alignment.This variant is predicted to be benign by PolyPhen and tolerated by SIFT in silico analyses. Since supporting evidence is limited at this time, the clinical significance of p.P228L remains unclear.